The following is an entry in ClinVar:

ClinVar aggregate classification (germline): Uncertain significance (1 of 4 stars; one submission).

Submission:

GeneDx
Classification: Uncertain significance. Last evaluated: 2025-06-24. Review status: criteria provided, single submitter. Criteria: GeneDx Variant Classification Process June 2021. Collection method: clinical testing. Allele origin: germline. Affected: yes.
Comment: In-frame deletion of 1 amino acid in a non-repeat region; Not observed at significant frequency in large population cohorts (gnomAD); In silico analysis supports a deleterious effect on protein structure/function; Has not been previously published as pathogenic or benign to our knowledge

NM_002249.6(KCNN3):c.1178_1180del (p.Ser393del)

Gene: KCNN3 (potassium calcium-activated channel subfamily N member 3; minus strand). Cytogenetic location: 1q21.3.
Variant type: Deletion.
Coding change: c.1178_1180del on transcript NM_002249.6 (MANE Select); coding-DNA positions 1178 to 1180, 3 bases deleted (CCT; older notation c.1178_1180delCCT).
Protein change: p.Ser393del; deletes serine 393.
Genome position (GRCh38, 1-based): chr1:154,772,243-154,772,245, AGG deleted on the plus strand (CCT on the coding strand, the reverse complement: KCNN3 is on the minus strand); deleting any 3 consecutive bases within chr1:154,772,243-154,772,247 gives the same sequence; the c. name uses the placement nearest the transcript's 3' end. VCF-style (leftmost placement, unchanged base first): chr1-154772242-TAGG-T. GRCh37 (hg19) VCF-style: chr1-154744718-TAGG-T.
Other names: c.1178_1180del, p.Ser393del (NM_001204087.2); c.239_241del, p.Ser80del (NM_001365837.1, NM_001365838.1); c.263_265del, p.Ser88del (NM_170782.3); short protein forms S393del, S80del, S88del.
Identifiers: ClinVar variation 4540371 (VCV004540371.1).